The following is an entry in ClinVar:

NM_000092.5(COL4A4):c.4151C>T (p.Ala1384Val)

Gene: COL4A4 (collagen type IV alpha 4 chain; minus strand). Cytogenetic location: 2q36.3.
Variant type: single nucleotide variant.
Coding change: c.4151C>T on transcript NM_000092.5 (MANE Select); coding-DNA position 4151, C replaced by T.
Protein change: p.Ala1384Val; replaces alanine 1384 with valine.
Molecular consequence: missense variant.
Genome position (GRCh38, 1-based): chr2:227,022,113, G>A on the plus strand (C>T on the coding strand, the complement: COL4A4 is on the minus strand). VCF-style: chr2-227022113-G-A. GRCh37 (hg19) VCF-style: chr2-227886829-G-A.
Other names: short protein forms A1384V.
Identifiers: ClinVar variation 1342004 (VCV001342004.12), dbSNP rs199911379, ClinGen allele CA2144267.

ClinVar aggregate classification (germline): Conflicting classifications of pathogenicity. Review status: criteria provided, conflicting classifications (1 of 4 stars). 5 submissions from 5 submitters: Uncertain significance (4); Likely benign (1). Last evaluated 2025-10-05.

Conditions:
COL4A4-related disorder.
Autosomal recessive Alport syndrome (ATS2). Also called: Alport syndrome type 2; COL4A3-Related Nephropathy; ALPORT SYNDROME 2, AUTOSOMAL RECESSIVE; COL4A4 Alport Syndrome and Thin Basement Membrane Nephropathy. Identifiers: Orphanet 63, Orphanet 88919, MedGen C4746745, MONDO:0008762, OMIM 203780.
Hematuria, benign familial, 1 (BFH1). Also called: THIN MEMBRANE NEPHROPATHY. Identifiers: MedGen CN376803, MONDO:0007709, OMIM 141200.
Benign familial hematuria. Also called: thin basement membrane disease. Identifiers: MedGen C0241908, MONDO:0957317.

Allele frequency attached by ClinVar (database versions not stated): ESP Exome Variant Server 0.00008; gnomAD exomes 0.00009; ExAC 0.00013; gnomAD 0.00005 and 0.00006; TOPMed 0.00005.
gnomAD v4.1: 84 of 1,613,828 alleles (0.0052%); highest among the groups gnomAD compares: African/African-American, 0.008%; no homozygotes.

Submissions (5):

Labcorp Genetics (formerly Invitae), Labcorp
Classification: Likely benign. Last evaluated: 2025-10-05. Review status: criteria provided, single submitter. Criteria: Invitae Variant Classification Sherloc (09022015). Collection method: clinical testing. Allele origin: germline.

PreventionGenetics, part of Exact Sciences
Classification: Uncertain significance for COL4A4-related condition. Last evaluated: 2025-04-15. Review status: criteria provided, single submitter. Criteria: ACMG Guidelines, 2015. Collection method: clinical testing. Allele origin: germline.
Comment: The COL4A4 c.4151C>T variant is predicted to result in the amino acid substitution p.Ala1384Val. This variant was reported in an individual with retinal / optic nerve disease, however additional information was not provided (Table S12Diñeiro et al. 2020. PubMed ID: 32483926). This variant is reported in 0.015% of alleles in individuals of European (Non-Finnish) descent in gnomAD. At this time, the clinical significance of this variant is uncertain due to the absence of conclusive functional and genetic evidence.

GeneDx
Classification: Uncertain significance. Last evaluated: 2024-05-29. Review status: criteria provided, single submitter. Criteria: GeneDx Variant Classification Process June 2021. Collection method: clinical testing. Allele origin: germline. Affected: yes.
Comment: Identified in patients with suspected Alport syndrome in published literature; however, one patient also harbored a variant in COL4A5 that segregated with disease in the family, and limited clinical information was provided for another patient (PMID: 35419377); Identified in a patient with a suspected inherited retinal disorder in published literature (PMID: 32483926); In silico analysis indicates that this missense variant does not alter protein structure/function; Occurs in the triple helical domain at the X position in the canonical Gly-X-Y repeat; although this variant may have an effect on normal protein folding and function, missense substitution at the X position is not a common mechanism of disease; This variant is associated with the following publications: (PMID: 32483926, 35419377)

Fulgent Genetics
Classification: Uncertain significance for Hematuria, benign familial, 1; Autosomal recessive Alport syndrome. Last evaluated: 2024-05-03. Review status: criteria provided, single submitter. Criteria: ACMG Guidelines, 2015. Collection method: clinical testing. Allele origin: germline.

CENTOGENE GmbH and LLC - Guiding Precision Medicine
Classification: Uncertain significance for Hematuria, benign familial, 1. Last evaluated: 2022-02-21. Review status: criteria provided, single submitter. Criteria: ACMG Guidelines, 2015. Collection method: clinical testing. Allele origin: germline. Affected: yes.